The following is an entry in ClinVar:

ClinVar aggregate classification (germline): Uncertain significance. Review status: criteria provided, multiple submitters, no conflicts (2 of 4 stars). 3 submissions from 3 submitters: Uncertain significance (3). Last evaluated 2025-07-25.

Conditions:
MAGEL2-related disorder. Also called: MAGEL2-related condition.
Inborn genetic diseases. Identifiers: MedGen C0950123, MeSH D030342.

Allele frequency attached by ClinVar (database versions not stated): gnomAD exomes below 0.00001; gnomAD 0.00003.
gnomAD v4.1: 8 of 1,536,012 alleles (0.00052%); highest among the groups gnomAD compares: African/African-American, 0.0096%; no homozygotes.

Submissions (3):

PreventionGenetics, part of Exact Sciences
Classification: Uncertain significance for MAGEL2-related condition. Last evaluated: 2025-07-25. Review status: criteria provided, single submitter. Criteria: ACMG Guidelines, 2015. Collection method: clinical testing. Allele origin: germline.
Comment: The MAGEL2 c.313C>G variant is predicted to result in the amino acid substitution p.Pro105Ala. To our knowledge, this variant has not been reported in the literature. This variant is reported in 0.013% of alleles in individuals of African descent in gnomAD. At this time, the clinical significance of this variant is uncertain due to the absence of conclusive functional and genetic evidence.

Labcorp Genetics (formerly Invitae), Labcorp
Classification: Uncertain significance. Last evaluated: 2024-12-07. Review status: criteria provided, single submitter. Criteria: Invitae Variant Classification Sherloc (09022015). Collection method: clinical testing. Allele origin: germline.
Comment: This sequence change replaces proline, which is neutral and non-polar, with alanine, which is neutral and non-polar, at codon 105 of the MAGEL2 protein (p.Pro105Ala). This variant is present in population databases (no rsID available, gnomAD 0.01%). This variant has not been reported in the literature in individuals affected with MAGEL2-related conditions. ClinVar contains an entry for this variant (Variation ID: 1927042). Experimental studies and prediction algorithms are not available or were not evaluated, and the functional significance of this variant is currently unknown. In summary, the available evidence is currently insufficient to determine the role of this variant in disease. Therefore, it has been classified as a Variant of Uncertain Significance.

Ambry Genetics
Classification: Uncertain significance for Inborn genetic diseases. Last evaluated: 2022-08-26. Review status: criteria provided, single submitter. Criteria: Ambry Variant Classification Scheme 2023. Collection method: clinical testing. Allele origin: germline.

NM_019066.5(MAGEL2):c.313C>G (p.Pro105Ala)

Gene: MAGEL2 (MAGE family member L2; minus strand). Cytogenetic location: 15q11.2.
Variant type: single nucleotide variant.
Coding change: c.313C>G on transcript NM_019066.5 (MANE Select); coding-DNA position 313, C replaced by G.
Protein change: p.Pro105Ala; replaces proline 105 with alanine.
Molecular consequence: missense variant.
Genome position (GRCh38, 1-based): chr15:23,647,430, G>C on the plus strand (C>G on the coding strand, the complement: MAGEL2 is on the minus strand). VCF-style: chr15-23647430-G-C. GRCh37 (hg19) VCF-style: chr15-23892577-G-C.
Other names: short protein forms P105A.
Identifiers: ClinVar variation 1927042 (VCV001927042.7), dbSNP rs1027138148, ClinGen allele CA267661700.